The following is an entry in ClinVar:

NM_001170629.2(CHD8):c.-215-3delinsTT

Gene: CHD8 (chromodomain helicase DNA binding protein 8; minus strand). Cytogenetic location: 14q11.2.
Variant type: Indel.
Coding change: c.-215-3delinsTT on transcript NM_001170629.2 (MANE Select); 3 bases into the intron before 215 bases upstream of the start codon, C replaced by TT.
Molecular consequence: intron variant.
Genome position (GRCh38, 1-based): chr14:21,431,861, G replaced by AA on the plus strand (C replaced by TT on the coding strand, the reverse complement: CHD8 is on the minus strand). VCF-style: chr14-21431861-G-AA. GRCh37 (hg19) VCF-style: chr14-21900020-G-AA.
Other names: c.-42-3delinsTT (NM_020920.4).
Identifiers: ClinVar variation 5037142 (VCV005037142.1).

ClinVar aggregate classification (germline): Uncertain significance (1 of 4 stars; one submission).

Submission:

GeneDx
Classification: Uncertain significance. Last evaluated: 2026-04-15. Review status: criteria provided, single submitter. Criteria: GeneDx Variant Classification Process June 2021. Collection method: clinical testing. Allele origin: germline.
Comment: Not observed at significant frequency in large population cohorts (gnomAD); Has not been previously published as pathogenic or benign to our knowledge; In silico analysis is inconclusive as to whether the variant alters gene splicing. In the absence of RNA/functional studies, the actual effect of this sequence change is unknown.; Reported using an alternate transcript of the gene; Located in a regulatory region; in the absence of functional studies, the actual effect of this sequence change is unknown